The following is an entry in ClinVar:

NM_013275.6(ANKRD11):c.7522C>A (p.Gln2508Lys)

Gene: ANKRD11 (ankyrin repeat domain 11; minus strand). Cytogenetic location: 16q24.3.
Variant type: single nucleotide variant.
Coding change: c.7522C>A on transcript NM_013275.6 (MANE Select); coding-DNA position 7522, C replaced by A.
Protein change: p.Gln2508Lys; replaces glutamine 2508 with lysine.
Molecular consequence: missense variant.
Genome position (GRCh38, 1-based): chr16:89,275,140, G>T on the plus strand (C>A on the coding strand, the complement: ANKRD11 is on the minus strand). VCF-style: chr16-89275140-G-T. GRCh37 (hg19) VCF-style: chr16-89341548-G-T.
Other names: c.7522C>A, p.Gln2508Lys (NM_001256183.2, NM_001256182.2); short protein forms Q2508K.
Identifiers: ClinVar variation 3061688 (VCV003061688.3), dbSNP rs2544181494, ClinGen allele CA397147875.

ClinVar aggregate classification (germline): Uncertain significance (1 of 4 stars; one submission).

Conditions:
ANKRD11-related disorder. Also called: ANKRD11-related condition.

Submission:

PreventionGenetics, part of Exact Sciences
Classification: Uncertain significance for ANKRD11-related condition. Last evaluated: 2026-06-22. Review status: criteria provided, single submitter. Criteria: ACMG Guidelines, 2015. Collection method: clinical testing. Allele origin: germline.
Comment: The ANKRD11 c.7522C>A variant is predicted to result in the amino acid substitution p.Gln2508Lys. To our knowledge, this variant has not been reported in the literature or in a large population database (gnomAD), indicating this variant is rare. Although we suspect that this variant may be pathogenic, at this time, the clinical significance of this variant is uncertain due to the absence of conclusive functional and genetic evidence.